The following is an entry in ClinVar:

NM_001267550.2(TTN):c.96229C>T (p.Arg32077Trp)

Genes: TTN (titin; minus strand), TTN-AS1 (TTN antisense RNA 1; plus strand), LOC126806421 (CDK7 strongly-dependent group 2 enhancer GRCh37_chr2:179407630-179408829; plus strand). Cytogenetic location: 2q31.2.
Variant type: single nucleotide variant.
Coding change: c.96229C>T on transcript NM_001267550.2 (MANE Select); coding-DNA position 96229, C replaced by T.
Protein change: p.Arg32077Trp; replaces arginine 32077 with tryptophan.
Molecular consequence: missense variant.
Genome position (GRCh38, 1-based): chr2:178,543,915, G>A on the plus strand (C>T on the coding strand, the complement: TTN is on the minus strand). VCF-style: chr2-178543915-G-A. GRCh37 (hg19) VCF-style: chr2-179408642-G-A.
Other names: c.88525C>T, p.Arg29509Trp (NM_133378.4); c.91306C>T, p.Arg30436Trp (NM_001256850.1); c.69034C>T, p.Arg23012Trp (NM_003319.4); c.69409C>T, p.Arg23137Trp (NM_133432.3); c.69610C>T, p.Arg23204Trp (NM_133437.4); short protein forms R29509W, R32077W, R23137W, R23012W, R23204W, R30436W.
Identifiers: ClinVar variation 229550 (VCV000229550.9), dbSNP rs751316145, ClinGen allele CA1986796.

ClinVar aggregate classification (germline): Uncertain significance. Review status: criteria provided, multiple submitters, no conflicts (2 of 4 stars). 2 submissions from 2 submitters: Uncertain significance (2). Last evaluated 2016-11-17.

Allele frequency attached by ClinVar (database versions not stated): ExAC 0.00001; TOPMed 0.00001.
gnomAD v4.1: 9 of 1,613,454 alleles (0.00056%); highest among the groups gnomAD compares: South Asian, 0.0033%; no homozygotes.

Submissions (2):

Eurofins Ntd Llc (ga)
Classification: Uncertain significance. Last evaluated: 2016-11-17. Review status: criteria provided, single submitter. Criteria: EGL Classification Definitions 2015. Collection method: clinical testing. Allele origin: germline. Observed: 1 variant allele, 1 heterozygote.

Laboratory for Molecular Medicine, Mass General Brigham Personalized Medicine
Classification: Uncertain significance. Last evaluated: 2015-03-11. Review status: criteria provided, single submitter. Criteria: LMM Criteria. Collection method: clinical testing. Allele origin: germline. Observed: 1 variant allele.
Comment: The p.Arg29509Trp variant in TTN has not been previously reported in individuals with cardiomyopathy, but has been identified in 1/16510 South Asian chromosomes by the Exome Aggregation Consortium (ExAC). Com putational prediction tools and conservation analysis suggest that this variant may impact the protein, though this information is not predictive enough to dete rmine pathogenicity. In summary, the clinical significance of the p.Arg29509Trp variant is uncertain.